The following is an entry in ClinVar:

NM_139285.4(GAS2L2):c.1111T>C (p.Ser371Pro)

Gene: GAS2L2 (growth arrest specific 2 like 2; minus strand). Cytogenetic location: 17q12.
Variant type: single nucleotide variant.
Coding change: c.1111T>C on transcript NM_139285.4 (MANE Select); coding-DNA position 1111, T replaced by C.
Protein change: p.Ser371Pro; replaces serine 371 with proline.
Molecular consequence: missense variant.
Genome position (GRCh38, 1-based): chr17:35,746,386, A>G on the plus strand (T>C on the coding strand, the complement: GAS2L2 is on the minus strand). VCF-style: chr17-35746386-A-G. GRCh37 (hg19) VCF-style: chr17-34073405-A-G.
Other names: c.1111T>C (NM_139285.3); short protein forms S371P.
Identifiers: ClinVar variation 4934792 (VCV004934792.2).

ClinVar aggregate classification (germline): Benign/Likely benign. Review status: criteria provided, multiple submitters, no conflicts (2 of 4 stars). 2 submissions from 2 submitters: Benign (1); Likely benign (1). Last evaluated 2026-03-11.

Conditions:
GAS2L2-related disorder. Also called: GAS2L2-related condition.

gnomAD v4.1: 138 of 1,346,516 alleles (0.01%); highest among the groups gnomAD compares: South Asian, 0.16%; 2 homozygotes.

Submissions (2):

PreventionGenetics, part of Exact Sciences
Classification: Likely benign for GAS2L2-related condition. Last evaluated: 2026-03-11. Review status: criteria provided, single submitter. Criteria: ACMG Guidelines, 2015. Collection method: clinical testing. Allele origin: germline.
Comment: This variant is classified as likely benign based on ACMG/AMP sequence variant interpretation guidelines (Richards et al. 2015 PMID: 25741868, with internal and published modifications).

Blueprint Genetics
Classification: Benign. Last evaluated: 2024-10-18. Review status: criteria provided, single submitter. Criteria: ACMG Guidelines, 2015. Collection method: clinical testing. Allele origin: germline.